The following is an entry in ClinVar:

ClinVar aggregate classification (germline): Uncertain significance (1 of 4 stars; one submission).

Submission:

Labcorp Genetics (formerly Invitae), Labcorp
Classification: Uncertain significance. Last evaluated: 2019-10-01. Review status: criteria provided, single submitter. Criteria: Invitae Variant Classification Sherloc (09022015). Collection method: clinical testing. Allele origin: germline.
Comment: This variant is not present in population databases (ExAC no frequency). This sequence change replaces glutamic acid with valine at codon 785 of the PDE6B protein (p.Glu785Val). The glutamic acid residue is highly conserved and there is a moderate physicochemical difference between glutamic acid and valine. This variant has not been reported in the literature in individuals with PDE6B-related conditions. In summary, the available evidence is currently insufficient to determine the role of this variant in disease. Therefore, it has been classified as a Variant of Uncertain Significance. Algorithms developed to predict the effect of sequence changes on RNA splicing suggest that this variant may create or strengthen a splice site, but this prediction has not been confirmed by published transcriptional studies. Algorithms developed to predict the effect of missense changes on protein structure and function are either unavailable or do not agree on the potential impact of this missense change (SIFT: "Deleterious"; PolyPhen-2: "Probably Damaging"; Align-GVGD: "Class C0").

NM_000283.4(PDE6B):c.2354A>T (p.Glu785Val)

Gene: PDE6B (phosphodiesterase 6B; plus strand). Cytogenetic location: 4p16.3.
Variant type: single nucleotide variant.
Coding change: c.2354A>T on transcript NM_000283.4 (MANE Select); coding-DNA position 2354, A replaced by T.
Protein change: p.Glu785Val; replaces glutamic acid 785 with valine.
Molecular consequence: missense variant.
Genome position (GRCh38, 1-based): chr4:667,857, A>T. VCF-style: chr4-667857-A-T. GRCh37 (hg19) VCF-style: chr4-661646-A-T.
Other names: c.2354A>T, p.Glu785Val (NM_001145291.2); c.1517A>T, p.Glu506Val (NM_001145292.2, NM_001350154.3, NM_001379246.1 and 1 more transcripts); c.1199A>T, p.Glu400Val (NM_001350155.3); short protein forms E785V, E506V, E400V.
Identifiers: ClinVar variation 933970 (VCV000933970.9), dbSNP rs1737975912, ClinGen allele CA355920384.